The following is an entry in ClinVar:

NM_017780.4(CHD7):c.2836-2A>T

Gene: CHD7 (chromodomain helicase DNA binding protein 7; plus strand). Cytogenetic location: 8q12.2.
Variant type: single nucleotide variant.
Coding change: c.2836-2A>T on transcript NM_017780.4 (MANE Select); the canonical splice acceptor site of the intron before coding-DNA position 2836, A replaced by T.
Molecular consequence: splice acceptor variant. On other transcripts: intron variant (1).
Genome position (GRCh38, 1-based): chr8:60,822,022, A>T. VCF-style: chr8-60822022-A-T. GRCh37 (hg19) VCF-style: chr8-61734581-A-T.
Other names: c.1717-40207A>T (NM_001316690.1).
Identifiers: ClinVar variation 241191 (VCV000241191.8), dbSNP rs878855031, ClinGen allele CA10582585.
Genomic context (GRCh38, chr8:60,822,022, plus strand): 5'-AAAATAGCATAGTGGTGTGGTCTTTGGGAAACCACTAATGGGATTTACTATATTTGAAAC[A>T]GGAGCGACCTCCTGCTGATGATTGGAAGAAATCGGAGAGTTCCAGGGAGTATAAAAACAA-3'

ClinVar aggregate classification (germline): Pathogenic. Review status: criteria provided, multiple submitters, no conflicts (2 of 4 stars). 2 submissions from 2 submitters: Pathogenic (2). Last evaluated 2022-10-28.

Conditions:
CHARGE syndrome (CHARGE). Also called: Coloboma, heart anomaly, choanal atresia, retardation, genital and ear anomalies; CHARGE association; Hall-Hittner syndrome; CHARGE ASSOCIATION--COLOBOMA, HEART ANOMALY, CHOANAL ATRESIA, RETARDATION, GENITAL AND EAR ANOMALIES; Hittner Hirsch Kreh syndrome. Identifiers: Orphanet 138, MedGen C0265354, MONDO:0008965.

Submissions (2):

Labcorp Genetics (formerly Invitae), Labcorp
Classification: Pathogenic for CHARGE syndrome. Last evaluated: 2022-10-28. Review status: criteria provided, single submitter. Criteria: Invitae Variant Classification Sherloc (09022015). Collection method: clinical testing. Allele origin: germline.
Comment: ClinVar contains an entry for this variant (Variation ID: 241191). Algorithms developed to predict the effect of sequence changes on RNA splicing suggest that this variant may disrupt the consensus splice site. For these reasons, this variant has been classified as Pathogenic. Disruption of this splice site has been observed in individual(s) with clinical features of CHARGE syndrome (PMID: 27061523; Invitae). In at least one individual the variant was observed to be de novo. This sequence change affects an acceptor splice site in intron 10 of the CHD7 gene. It is expected to disrupt RNA splicing. Variants that disrupt the donor or acceptor splice site typically lead to a loss of protein function (PMID: 16199547), and loss-of-function variants in CHD7 are known to be pathogenic (PMID: 22461308, 25077900). This variant is not present in population databases (gnomAD no frequency).

GeneDx
Classification: Pathogenic. Last evaluated: 2018-08-01. Review status: criteria provided, single submitter. Criteria: GeneDx Variant Classification (06012015). Collection method: clinical testing. Allele origin: germline. Affected: yes.
Comment: The c.2836-2A>T variant in the CHD7 gene has not been reported previously as a pathogenic variant nor as a benign variant, to our knowledge. This splice site variant destroys the canonical splice acceptor site in intron 10. It is predicted to cause abnormal gene splicing, either leading to an abnormal message that is subject to nonsense-mediated mRNA decay, or to an abnormal protein product if the message is used for protein translation. The c.2836-2A>T variant is not observed in large population cohorts (Lek et al., 2016). We interpret c.2836-2A>T as a pathogenic variant.

Literature cited by the submitters: PubMed 27061523 (cited by Labcorp Genetics (formerly Invitae), Labcorp); PubMed 16199547 (cited by Labcorp Genetics (formerly Invitae), Labcorp); PubMed 22461308 (cited by Labcorp Genetics (formerly Invitae), Labcorp); PubMed 25077900 (cited by Labcorp Genetics (formerly Invitae), Labcorp).